The following is an entry in ClinVar:

ClinVar aggregate classification (germline): Uncertain significance (1 of 4 stars; one submission).

Submission:

GeneDx
Classification: Uncertain significance. Last evaluated: 2023-06-13. Review status: criteria provided, single submitter. Criteria: GeneDx Variant Classification Process June 2021. Collection method: clinical testing. Allele origin: germline. Affected: yes.
Comment: Not observed at significant frequency in large population cohorts (gnomAD); In silico analysis supports that this missense variant does not alter protein structure/function; Has not been previously published as pathogenic or benign to our knowledge

NM_001256012.3(MYH10):c.4477A>T (p.Ser1493Cys)

Gene: MYH10 (myosin heavy chain 10; minus strand). Cytogenetic location: 17p13.1.
Variant type: single nucleotide variant.
Coding change: c.4477A>T on transcript NM_001256012.3 (MANE Select); coding-DNA position 4477, A replaced by T.
Protein change: p.Ser1493Cys; replaces serine 1493 with cysteine.
Molecular consequence: missense variant.
Genome position (GRCh38, 1-based): chr17:8,492,491, T>A on the plus strand (A>T on the coding strand, the complement: MYH10 is on the minus strand). VCF-style: chr17-8492491-T-A. GRCh37 (hg19) VCF-style: chr17-8395809-T-A.
Other names: c.4411A>T, p.Ser1471Cys (NM_001256095.2); c.4414A>T, p.Ser1472Cys (NM_001375266.1); c.4384A>T, p.Ser1462Cys (NM_005964.5); short protein forms S1462C, S1471C, S1472C, S1493C.
Identifiers: ClinVar variation 3359740 (VCV003359740.1).
Genomic context (GRCh38, chr17:8,492,491, plus strand): 5'-CTTTCTCTCTGGCCTCGGCTTCGGCCCGGTCCCGCTCTTCGGCATAGCGAGCAGAGATGC[T>A]CTTCTCTTCTGCTAACAGCTGTGCAGAAGGGGATGGGGGAATACGAAAAACCGAAACAGT-3'
Protein context (NP_001242941.1, residues 1483-1503): KFDQLLAEEK[Ser1493Cys]ISARYAEERD